The following is an entry in ClinVar:

NM_138927.4(SON):c.5231G>A (p.Arg1744His)

Gene: SON (SON DNA and RNA binding protein; plus strand). Cytogenetic location: 21q22.11.
Variant type: single nucleotide variant.
Coding change: c.5231G>A on transcript NM_138927.4 (MANE Select); coding-DNA position 5231, G replaced by A.
Protein change: p.Arg1744His; replaces arginine 1744 with histidine.
Molecular consequence: missense variant. On other transcripts: non-coding transcript variant (1), intron variant (1).
Genome position (GRCh38, 1-based): chr21:33,554,462, G>A. VCF-style: chr21-33554462-G-A. GRCh37 (hg19) VCF-style: chr21-34926768-G-A.
Other names: c.5231G>A, p.Arg1744His (NM_001291411.2, NM_001412133.1, NM_032195.3 and 2 more transcripts); c.245-2694G>A (NM_001291412.3); short protein forms R1744H.
Identifiers: ClinVar variation 1912433 (VCV001912433.5), dbSNP rs752018073, ClinGen allele CA10009688.

ClinVar aggregate classification (germline): Uncertain significance (1 of 4 stars; one submission).

Allele frequency attached by ClinVar (database versions not stated): ExAC 0.00001; gnomAD 0.00001; gnomAD exomes 0.00001; TOPMed 0.00001.
gnomAD v4.1: 13 of 1,614,048 alleles (0.00081%); highest among the groups gnomAD compares: South Asian, 0.0022%; no homozygotes.

Submission:

Labcorp Genetics (formerly Invitae), Labcorp
Classification: Uncertain significance. Last evaluated: 2024-11-11. Review status: criteria provided, single submitter. Criteria: Invitae Variant Classification Sherloc (09022015). Collection method: clinical testing. Allele origin: germline.
Comment: This sequence change replaces arginine, which is basic and polar, with histidine, which is basic and polar, at codon 1744 of the SON protein (p.Arg1744His). This variant is present in population databases (rs752018073, gnomAD 0.006%). This variant has not been reported in the literature in individuals affected with SON-related conditions. ClinVar contains an entry for this variant (Variation ID: 1912433). An algorithm developed to predict the effect of missense changes on protein structure and function (PolyPhen-2) suggests that this variant is likely to be disruptive. In summary, the available evidence is currently insufficient to determine the role of this variant in disease. Therefore, it has been classified as a Variant of Uncertain Significance.